The following is an entry in ClinVar:

NM_001382273.1(TNK2):c.1827G>A (p.Met609Ile)

Gene: TNK2 (tyrosine kinase non receptor 2; minus strand). Cytogenetic location: 3q29.
Variant type: single nucleotide variant.
Coding change: c.1827G>A on transcript NM_001382273.1 (MANE Select); coding-DNA position 1827, G replaced by A.
Protein change: p.Met609Ile; replaces methionine 609 with isoleucine.
Molecular consequence: missense variant. On other transcripts: non-coding transcript variant (15).
Genome position (GRCh38, 1-based): chr3:195,868,471, C>T on the plus strand (G>A on the coding strand, the complement: TNK2 is on the minus strand). VCF-style: chr3-195868471-C-T. GRCh37 (hg19) VCF-style: chr3-195595342-C-T.
Other names: c.1899G>A, p.Met633Ile (NM_001010938.2, NM_001382272.1); c.1878G>A, p.Met626Ile (NM_001308046.2, NM_001382271.1); c.1827G>A, p.Met609Ile (NM_001382274.1, NM_001387716.1, NM_001387717.1 and 1 more transcripts); c.1923G>A, p.Met641Ile (NM_001382275.1, NM_001387707.1); c.1782G>A, p.Met594Ile (NM_001386164.1, NM_001387709.1, NM_001387710.1 and 8 more transcripts); c.1854G>A, p.Met618Ile (NM_001387708.1, NM_001387715.1); short protein forms M594I, M609I, M618I, M633I, M626I, M641I.
Identifiers: ClinVar variation 2139070 (VCV002139070.4), dbSNP rs755837994, ClinGen allele CA2776180.
Genomic context (GRCh38, chr3:195,868,471, plus strand): 5'-CCGGGGCAGTGCCCGCGTGGGGCTCTGAGGCGGGGTCTCGTCCAGCAGGGAGCAGGCGTC[C>T]ATGGCCAGCTGCGCCAGGGAGGGCGCGCAGGGCCGTAGGGCCGGGACCACGGGCTCCTCA-3'
Protein context (NP_001369202.1, residues 599-619): PCAPSLAQLA[Met609Ile]DACSLLDETP

ClinVar aggregate classification (germline): Uncertain significance (1 of 4 stars; one submission).

Allele frequency attached by ClinVar (database versions not stated): TOPMed below 0.00001; gnomAD exomes 0.00001; ExAC 0.00004.

Submission:

Labcorp Genetics (formerly Invitae), Labcorp
Classification: Uncertain significance. Last evaluated: 2022-05-17. Review status: criteria provided, single submitter. Criteria: Invitae Variant Classification Sherloc (09022015). Collection method: clinical testing. Allele origin: germline.
Comment: In summary, the available evidence is currently insufficient to determine the role of this variant in disease. Therefore, it has been classified as a Variant of Uncertain Significance. Algorithms developed to predict the effect of missense changes on protein structure and function (SIFT, PolyPhen-2, Align-GVGD) all suggest that this variant is likely to be tolerated. This variant has not been reported in the literature in individuals affected with TNK2-related conditions. This variant is present in population databases (rs755837994, gnomAD 0.02%). This sequence change replaces methionine, which is neutral and non-polar, with isoleucine, which is neutral and non-polar, at codon 672 of the TNK2 protein (p.Met672Ile).